The following is an entry in ClinVar:

ClinVar aggregate classification (germline): Uncertain significance (1 of 4 stars; one submission).

Submission:

GeneDx
Classification: Uncertain significance. Last evaluated: 2016-05-10. Review status: criteria provided, single submitter. Criteria: GeneDx Variant Classification (06012015). Collection method: clinical testing. Allele origin: germline. Affected: yes.
Comment: The G728D variant in the ATP1A3 gene has not been reported previously as a pathogenic variant, nor as a benign variant, to our knowledge. The G728D variant was not observed in approximately 6500 individuals of European and African American ancestry in the NHLBI Exome Sequencing Project, indicating it is not a common benign variant in these populations. The G728D variant is a non-conservative amino acid substitution, which is likely to impact secondary protein structure as these residues differ in polarity, charge, size and/or other properties. This substitution occurs at a position that is conserved across species. In silico analysis predicts this variant is probably damaging to the protein structure/function. We interpret G728D as a variant of uncertain significance.

NM_152296.5(ATP1A3):c.2183G>A (p.Gly728Asp)

Gene: ATP1A3 (ATPase Na+/K+ transporting subunit alpha 3; minus strand). Cytogenetic location: 19q13.2.
Variant type: single nucleotide variant.
Coding change: c.2183G>A on transcript NM_152296.5 (MANE Select); coding-DNA position 2183, G replaced by A.
Protein change: p.Gly728Asp; replaces glycine 728 with aspartic acid.
Molecular consequence: missense variant.
Genome position (GRCh38, 1-based): chr19:41,975,709, C>T on the plus strand (G>A on the coding strand, the complement: ATP1A3 is on the minus strand). VCF-style: chr19-41975709-C-T. GRCh37 (hg19) VCF-style: chr19-42479861-C-T.
Other names: c.2216G>A, p.Gly739Asp (NM_001256213.2); c.2222G>A, p.Gly741Asp (NM_001256214.2); short protein forms G728D, G741D, G739D.
Identifiers: ClinVar variation 386206 (VCV000386206.2), dbSNP rs1057522446, ClinGen allele CA16607846.